The following is an entry in ClinVar:

NM_000587.4(C7):c.2299G>A (p.Ala767Thr)

Gene: C7 (complement C7; plus strand). Cytogenetic location: 5p13.1.
Variant type: single nucleotide variant.
Coding change: c.2299G>A on transcript NM_000587.4 (MANE Select); coding-DNA position 2299, G replaced by A.
Protein change: p.Ala767Thr; replaces alanine 767 with threonine.
Molecular consequence: missense variant.
Genome position (GRCh38, 1-based): chr5:40,979,858, G>A. VCF-style: chr5-40979858-G-A. GRCh37 (hg19) VCF-style: chr5-40979960-G-A.
Other names: short protein forms A767T.
Identifiers: ClinVar variation 1438622 (VCV001438622.4), dbSNP rs1261586501, ClinGen allele CA359595257.

ClinVar aggregate classification (germline): Uncertain significance (1 of 4 stars; one submission).

Allele frequency attached by ClinVar (database versions not stated): gnomAD 0.00001; gnomAD exomes 0.00001; TOPMed 0.00001.
gnomAD v4.1: 14 of 1,608,082 alleles (0.00087%); highest among the groups gnomAD compares: Non-Finnish European, 0.0011%; no homozygotes.

Submission:

Labcorp Genetics (formerly Invitae), Labcorp
Classification: Uncertain significance. Last evaluated: 2021-08-11. Review status: criteria provided, single submitter. Criteria: Invitae Variant Classification Sherloc (09022015). Collection method: clinical testing. Allele origin: germline.
Comment: This sequence change replaces alanine with threonine at codon 767 of the C7 protein (p.Ala767Thr). The alanine residue is moderately conserved and there is a small physicochemical difference between alanine and threonine. This variant is not present in population databases (ExAC no frequency). This variant has not been reported in the literature in individuals affected with C7-related conditions. Algorithms developed to predict the effect of missense changes on protein structure and function (SIFT, PolyPhen-2, Align-GVGD) all suggest that this variant is likely to be tolerated. In summary, the available evidence is currently insufficient to determine the role of this variant in disease. Therefore, it has been classified as a Variant of Uncertain Significance.